The following is an entry in ClinVar:

ClinVar aggregate classification (germline): Likely benign. Review status: criteria provided, single submitter (1 of 4 stars). 2 submissions from 2 submitters: Likely benign (1). 1 of the submissions does not count toward it. Last evaluated 2025-10-14.

Conditions:
ITSN2-related disorder. Also called: ITSN2-related condition.

Allele frequency attached by ClinVar (database versions not stated): 1000 Genomes Project 0.00020; 1000 Genomes Project 30x 0.00031; ESP Exome Variant Server 0.00046; ExAC 0.00071; gnomAD exomes 0.00082; gnomAD 0.00088; TOPMed 0.00091.
gnomAD v4.1: 1,314 of 1,609,644 alleles (0.082%); highest among the groups gnomAD compares: Admixed American, 0.19%; no homozygotes.

Submissions (2):

Labcorp Genetics (formerly Invitae), Labcorp
Classification: Likely benign. Last evaluated: 2025-10-14. Review status: criteria provided, single submitter. Criteria: Invitae Variant Classification Sherloc (09022015). Collection method: clinical testing. Allele origin: germline.

PreventionGenetics, part of Exact Sciences
Classification: Likely benign for ITSN2-related condition. Last evaluated: 2019-05-14. Review status: no assertion criteria provided. Collection method: clinical testing. Allele origin: germline. Not counted in ClinVar's aggregate classification.
Comment: This variant is classified as likely benign based on ACMG/AMP sequence variant interpretation guidelines (Richards et al. 2015 PMID: 25741868, with internal and published modifications).

NM_006277.3(ITSN2):c.3672C>T (p.Tyr1224=)

Gene: ITSN2 (intersectin 2; minus strand). Cytogenetic location: 2p23.3.
Variant type: single nucleotide variant.
Coding change: c.3672C>T on transcript NM_006277.3 (MANE Select); coding-DNA position 3672, C replaced by T.
Protein change: p.Tyr1224=; no amino-acid change (tyrosine 1224 retained).
Molecular consequence: synonymous variant.
Genome position (GRCh38, 1-based): chr2:24,220,972, G>A on the plus strand (C>T on the coding strand, the complement: ITSN2 is on the minus strand). VCF-style: chr2-24220972-G-A. GRCh37 (hg19) VCF-style: chr2-24443841-G-A.
Other names: c.3630C>T, p.Tyr1210= (NM_001348181.2); c.3552C>T, p.Tyr1184= (NM_001348182.2); c.3591C>T, p.Tyr1197= (NM_019595.4); c.3672C>T, p.Tyr1224= (NM_147152.3); c.3672C>T (NM_006277.2).
Identifiers: ClinVar variation 2067829 (VCV002067829.6), dbSNP rs144159139, ClinGen allele CA1550853.
Genomic context (GRCh38, chr2:24,220,972, plus strand): 5'-ACCCCGAGAGCTAGCCAGCAGCAGCCTCCTCACCTCGACGACGAGCTGAAGGTCAGCCAT[G>A]TACCGCTCTTCGGTCTGAATCAGCTCATGAATATAGCCCTGTCTTTTCCTCTCAATTGGC-3'
Protein context (NP_006268.2, residues 1214-1234): IHELIQTEER[Tyr1224=]MADLQLVVEV